The following is an entry in ClinVar:

NM_001039660.2(IL18BP):c.202G>T (p.Glu68Ter)

Gene: IL18BP (interleukin 18 binding protein; plus strand). Cytogenetic location: 11q13.4.
Variant type: single nucleotide variant.
Coding change: c.202G>T on transcript NM_001039660.2 (MANE Select); coding-DNA position 202, G replaced by T.
Protein change: p.Glu68Ter; replaces glutamic acid 68 with a stop codon.
Molecular consequence: nonsense.
Genome position (GRCh38, 1-based): chr11:72,000,524, G>T. VCF-style: chr11-72000524-G-T. GRCh37 (hg19) VCF-style: chr11-71711570-G-T.
Other names: c.202G>T, p.Glu68Ter (NM_001039659.2, NM_001145055.1, NM_001145057.1 and 3 more transcripts); short protein forms E68*.
Identifiers: ClinVar variation 3672628 (VCV003672628.2).

ClinVar aggregate classification (germline): Uncertain significance (1 of 4 stars; one submission).

Submission:

Labcorp Genetics (formerly Invitae), Labcorp
Classification: Uncertain significance. Last evaluated: 2024-09-26. Review status: criteria provided, single submitter. Criteria: Invitae Variant Classification Sherloc (09022015). Collection method: clinical testing. Allele origin: germline.
Comment: This sequence change creates a premature translational stop signal (p.Glu68*) in the IL18BP gene. It is expected to result in an absent or disrupted protein product. However, the current clinical and genetic evidence is not sufficient to establish whether loss-of-function variants in IL18BP cause disease. This variant is not present in population databases (gnomAD no frequency). This variant has not been reported in the literature in individuals affected with IL18BP-related conditions. Algorithms developed to predict the effect of sequence changes on RNA splicing suggest that this variant may disrupt the consensus splice site. In summary, the available evidence is currently insufficient to determine the role of this variant in disease. Therefore, it has been classified as a Variant of Uncertain Significance.